The following is an entry in ClinVar:

ClinVar aggregate classification (germline): Likely pathogenic (1 of 4 stars; one submission).

Conditions:
SCN1A-related disorder. Also called: SCN1A-related disorders; SCN1A-related conditions; SCN1A-related condition.

Submission:

3billion
Classification: Likely pathogenic for SCN1A-related disorder. Last evaluated: 2025-12-29. Review status: criteria provided, single submitter. Criteria: ACMG Guidelines, 2015. Collection method: clinical testing. Allele origin: germline. Affected: yes.
Comment: The variant is not observed in the gnomAD v4.1.0 dataset. Predicted Consequence/Location: Frameshift: predicted to result in a loss or disruption of normal protein function through nonsense-mediated decay (NMD) or protein truncation. Multiple pathogenic variants are reported downstream of the variant. Therefore, this variant is classified as Likely pathogenic according to the recommendation of ACMG/AMP guideline.

NM_001165963.4(SCN1A):c.2726_2750del (p.Met909fs)

Gene: SCN1A (sodium voltage-gated channel alpha subunit 1; minus strand). Cytogenetic location: 2q24.3.
Variant type: Deletion.
Coding change: c.2726_2750del on transcript NM_001165963.4 (MANE Select); coding-DNA positions 2726 to 2750, 25 bases deleted (TGCAGCTCTTTGGTAAAAGCTACAA).
Protein change: p.Met909fs; shifts the reading frame from methionine 909.
Molecular consequence: frameshift variant. On other transcripts: non-coding transcript variant (1).
Genome position (GRCh38, 1-based): chr2:166,037,972-166,037,996, TTGTAGCTTTTACCAAAGAGCTGCA deleted on the plus strand (TGCAGCTCTTTGGTAAAAGCTACAA on the coding strand, the reverse complement: SCN1A is on the minus strand); deleting any 25 consecutive bases within chr2:166,037,972-166,037,997 gives the same sequence; the c. name uses the placement nearest the transcript's 3' end. VCF-style (leftmost placement, unchanged base first): chr2-166037971-TTTGTAGCTTTTACCAAAGAGCTGCA-T. GRCh37 (hg19) VCF-style: chr2-166894481-TTTGTAGCTTTTACCAAAGAGCTGCA-T.
Other names: c.2642_2666del, p.Met881fs (NM_001165964.3, NM_001353957.2, NM_001353958.2); c.2726_2750del, p.Met909fs (NM_001202435.3, NM_001353948.2); c.2693_2717del, p.Met898fs (NM_001353949.2, NM_001353950.2, NM_001353951.2 and 2 more transcripts); c.2690_2714del, p.Met897fs (NM_001353954.2, NM_001353955.2); c.2639_2663del, p.Met880fs (NM_001353960.2); c.284_308del, p.Met95fs (NM_001353961.2); short protein forms M880fs, M881fs, M897fs, M898fs, M909fs, M95fs.
Identifiers: ClinVar variation 4855092 (VCV004855092.1).